The following is an entry in ClinVar:

NM_005359.6(SMAD4):c.1166T>C (p.Leu389Ser)

Gene: SMAD4 (SMAD family member 4; plus strand). Cytogenetic location: 18q21.2.
Variant type: single nucleotide variant.
Coding change: c.1166T>C on transcript NM_005359.6 (MANE Select); coding-DNA position 1166, T replaced by C.
Protein change: p.Leu389Ser; replaces leucine 389 with serine.
Molecular consequence: missense variant. On other transcripts: non-coding transcript variant (1).
Genome position (GRCh38, 1-based): chr18:51,067,045, T>C. VCF-style: chr18-51067045-T-C. GRCh37 (hg19) VCF-style: chr18-48593415-T-C.
Other names: c.1166T>C, p.Leu389Ser (NM_001407041.1, NM_001407042.1); short protein forms L389S.
Identifiers: ClinVar variation 2774528 (VCV002774528.2), dbSNP rs2144451877, ClinGen allele CA402464759.
Genomic context (GRCh38, chr18:51,067,045, plus strand): 5'-CAAGATAAAATGTAATTTCTTTTTTCTTCCTAAGGTTGCACATAGGCAAAGGTGTGCAGT[T>C]GGAATGTAAAGGTGAAGGTGATGTTTGGGTCAGGTGCCTTAGTGACCACGCGGTCTTTGT-3'
Protein context (NP_005350.1, residues 379-399): ARLHIGKGVQ[Leu389Ser]ECKGEGDVWV

ClinVar aggregate classification (germline): Uncertain significance (1 of 4 stars; one submission).

Conditions:
Hereditary cancer-predisposing syndrome. Also called: Neoplastic Syndromes, Hereditary; Tumor predisposition; Hereditary Cancer Syndrome; Hereditary neoplastic syndrome. Identifiers: Orphanet 140162, MedGen C0027672, MeSH D009386, MONDO:0015356.

Submission:

Color Diagnostics, LLC DBA Color Health
Classification: Uncertain significance for Hereditary cancer-predisposing syndrome. Last evaluated: 2023-07-10. Review status: criteria provided, single submitter. Criteria: ACMG Guidelines, 2015. Collection method: clinical testing. Allele origin: germline.
Comment: This missense variant replaces leucine with serine at codon 389 of the SMAD4 protein. Computational prediction suggests that this variant may have deleterious impact on protein structure and function (internally defined REVEL score threshold >= 0.7, PMID: 27666373). To our knowledge, functional studies have not been reported for this variant. This variant has not been reported in individuals affected with SMAD4-related disorders in the literature. This variant has not been identified in the general population by the Genome Aggregation Database (gnomAD). The available evidence is insufficient to determine the role of this variant in disease conclusively. Therefore, this variant is classified as a Variant of Uncertain Significance.